The following is an entry in ClinVar:

ClinVar aggregate classification (germline): Uncertain significance (1 of 4 stars; one submission).

gnomAD v4.1: 7 of 1,614,090 alleles (0.00043%); highest among the groups gnomAD compares: South Asian, 0.0022%; no homozygotes.

Submission:

Labcorp Genetics (formerly Invitae), Labcorp
Classification: Uncertain significance. Last evaluated: 2022-07-15. Review status: criteria provided, single submitter. Criteria: Invitae Variant Classification Sherloc (09022015). Collection method: clinical testing. Allele origin: germline.
Comment: In summary, the available evidence is currently insufficient to determine the role of this variant in disease. Therefore, it has been classified as a Variant of Uncertain Significance. Algorithms developed to predict the effect of missense changes on protein structure and function are either unavailable or do not agree on the potential impact of this missense change (SIFT: "Not Available"; PolyPhen-2: "Probably Damaging"; Align-GVGD: "Not Available"). This variant has not been reported in the literature in individuals affected with TIMM50-related conditions. This variant is present in population databases (rs753312005, gnomAD 0.01%). This sequence change replaces arginine, which is basic and polar, with histidine, which is basic and polar, at codon 216 of the TIMM50 protein (p.Arg216His).

NM_001001563.5(TIMM50):c.338G>A (p.Arg113His)

Gene: TIMM50 (translocase of inner mitochondrial membrane 50; plus strand). Cytogenetic location: 19q13.2.
Variant type: single nucleotide variant.
Coding change: c.338G>A on transcript NM_001001563.5 (MANE Select); coding-DNA position 338, G replaced by A.
Protein change: p.Arg113His; replaces arginine 113 with histidine.
Molecular consequence: missense variant. On other transcripts: intron variant (1).
Genome position (GRCh38, 1-based): chr19:39,485,568, G>A. VCF-style: chr19-39485568-G-A. GRCh37 (hg19) VCF-style: chr19-39976208-G-A.
Other names: c.34-120G>A (NM_001329559.2); short protein forms R113H.
Identifiers: ClinVar variation 1714694 (VCV001714694.5), dbSNP rs753312005, ClinGen allele CA9431795.